The following is an entry in ClinVar:

ClinVar aggregate classification (germline): Uncertain significance. Review status: criteria provided, multiple submitters, no conflicts (2 of 4 stars). 2 submissions from 2 submitters: Uncertain significance (2). Last evaluated 2024-10-16.

Conditions:
Familial cancer of breast. Also called: hereditary breast carcinoma; BREAST CANCER, FAMILIAL; Hereditary breast cancer. Identifiers: Orphanet 227535, MedGen C0346153, MONDO:0016419, OMIM 114480. Disease mechanism: loss of function.
Fanconi anemia complementation group J. Also called: BRIP1-Related Fanconi Anemia. Identifiers: Orphanet 84, MedGen C1836860, MONDO:0012187, OMIM 609054.

Submissions (2):

Labcorp Genetics (formerly Invitae), Labcorp
Classification: Uncertain significance for Familial cancer of breast; Fanconi anemia complementation group J. Last evaluated: 2024-10-16. Review status: criteria provided, single submitter. Criteria: Invitae Variant Classification Sherloc (09022015). Collection method: clinical testing. Allele origin: germline.
Comment: This sequence change replaces aspartic acid, which is acidic and polar, with asparagine, which is neutral and polar, at codon 898 of the BRIP1 protein (p.Asp898Asn). This variant is not present in population databases (gnomAD no frequency). This variant has not been reported in the literature in individuals affected with BRIP1-related conditions. ClinVar contains an entry for this variant (Variation ID: 1686525). Invitae Evidence Modeling of protein sequence and biophysical properties (such as structural, functional, and spatial information, amino acid conservation, physicochemical variation, residue mobility, and thermodynamic stability) indicates that this missense variant is not expected to disrupt BRIP1 protein function with a negative predictive value of 95%. In summary, the available evidence is currently insufficient to determine the role of this variant in disease. Therefore, it has been classified as a Variant of Uncertain Significance.

Mendelics
Classification: Uncertain significance. Last evaluated: 2022-05-04. Review status: criteria provided, single submitter. Criteria: Mendelics Assertion Criteria 2019. Collection method: clinical testing. Allele origin: germline.

NM_032043.3(BRIP1):c.2692G>A (p.Asp898Asn)

Gene: BRIP1 (BRCA1 interacting DNA helicase 1; minus strand). Cytogenetic location: 17q23.2.
Variant type: single nucleotide variant.
Coding change: c.2692G>A on transcript NM_032043.3 (MANE Select); coding-DNA position 2692, G replaced by A.
Protein change: p.Asp898Asn; replaces aspartic acid 898 with asparagine.
Molecular consequence: missense variant.
Genome position (GRCh38, 1-based): chr17:61,686,049, C>T on the plus strand (G>A on the coding strand, the complement: BRIP1 is on the minus strand). VCF-style: chr17-61686049-C-T. GRCh37 (hg19) VCF-style: chr17-59763410-C-T.
Other names: short protein forms D898N.
Identifiers: ClinVar variation 1686525 (VCV001686525.3), dbSNP rs2144114911, ClinGen allele CA400481735.